The following is an entry in ClinVar:

NM_015466.4(PTPN23):c.3888+3_3888+5del

Gene: PTPN23 (protein tyrosine phosphatase non-receptor type 23; plus strand). Cytogenetic location: 3p21.31.
Variant type: Deletion.
Coding change: c.3888+3_3888+5del on transcript NM_015466.4 (MANE Select); bases 3 to 5 of the intron after coding-DNA position 3888, 3 bases deleted (GAG; older notation c.3888+3_3888+5delGAG).
Molecular consequence: intron variant.
Genome position (GRCh38, 1-based): chr3:47,411,689-47,411,691, GAG deleted. VCF-style (leftmost placement, unchanged base first): chr3-47411688-TGAG-T. GRCh37 (hg19) VCF-style: chr3-47453178-TGAG-T.
Other names: c.3510+3_3510+5del (NM_001304482.2).
Identifiers: ClinVar variation 2776732 (VCV002776732.2), dbSNP rs1304932453, ClinGen allele CA543043187.
Genomic context (GRCh38, chr3:47,411,688, plus strand): 5'-TCCATGAGCAGAAAGTGTCAGTCATTGTCATGCTGGTTTCTGAGGCTGAGATGGAGAAGG[TGAG>T]AAGAGGGGGTGGGTGCCCACGAGGGCAGTGTGGGGTGGCAGGGCAGGGGATCCTGGAAAA-3'

ClinVar aggregate classification (germline): Uncertain significance (1 of 4 stars; one submission).

Allele frequency attached by ClinVar (database versions not stated): TOPMed below 0.00001; gnomAD exomes 0.00001.

Submission:

Labcorp Genetics (formerly Invitae), Labcorp
Classification: Uncertain significance. Last evaluated: 2023-08-27. Review status: criteria provided, single submitter. Criteria: Invitae Variant Classification Sherloc (09022015). Collection method: clinical testing. Allele origin: germline.
Comment: This sequence change falls in intron 20 of the PTPN23 gene. It does not directly change the encoded amino acid sequence of the PTPN23 protein. It affects a nucleotide within the consensus splice site. In summary, the available evidence is currently insufficient to determine the role of this variant in disease. Therefore, it has been classified as a Variant of Uncertain Significance. Variants that disrupt the consensus splice site are a relatively common cause of aberrant splicing (PMID: 17576681, 9536098). Algorithms developed to predict the effect of sequence changes on RNA splicing suggest that this variant is not likely to affect RNA splicing. This variant has not been reported in the literature in individuals affected with PTPN23-related conditions. This variant is present in population databases (no rsID available, gnomAD 0.01%).

Literature cited by the submitters: PubMed 17576681; PubMed 9536098.